The following is an entry in ClinVar:

NM_017654.4(SAMD9):c.209T>A (p.Leu70Gln)

Gene: SAMD9 (sterile alpha motif domain containing 9; minus strand). Cytogenetic location: 7q21.2.
Variant type: single nucleotide variant.
Coding change: c.209T>A on transcript NM_017654.4 (MANE Select); coding-DNA position 209, T replaced by A.
Protein change: p.Leu70Gln; replaces leucine 70 with glutamine.
Molecular consequence: missense variant.
Genome position (GRCh38, 1-based): chr7:93,105,889, A>T on the plus strand (T>A on the coding strand, the complement: SAMD9 is on the minus strand). VCF-style: chr7-93105889-A-T. GRCh37 (hg19) VCF-style: chr7-92735202-A-T.
Other names: c.209T>A, p.Leu70Gln (NM_001193307.2); short protein forms L70Q.
Identifiers: ClinVar variation 1337618 (VCV001337618.37), dbSNP rs550190460, ClinGen allele CA4343192.

ClinVar aggregate classification (germline): Uncertain significance. Review status: criteria provided, multiple submitters, no conflicts (2 of 4 stars). 6 submissions from 6 submitters: Uncertain significance (5). 1 of the submissions does not count toward it. Last evaluated 2026-09-01.

Conditions:
SAMD9-related disorder. Also called: SAMD9-related condition.
Inborn genetic diseases. Identifiers: MedGen C0950123, MeSH D030342.

Allele frequency attached by ClinVar (database versions not stated): gnomAD 0.00002 and 0.00003; ExAC 0.00003; gnomAD exomes 0.00005; TOPMed 0.00007.
gnomAD v4.1: 85 of 1,614,074 alleles (0.0053%); highest among the groups gnomAD compares: Middle Eastern, 0.18%; no homozygotes.

Submissions (6):

CeGaT Center for Human Genetics Tuebingen
Classification: Uncertain significance. Last evaluated: 2026-09-01. Review status: criteria provided, single submitter. Criteria: CeGaT Center For Human Genetics Tuebingen Variant Classification Criteria Version 2. Collection method: clinical testing. Allele origin: germline. Affected: yes. Observed: 2 variant alleles.
Comment: SAMD9: PM2, BP4

Labcorp Genetics (formerly Invitae), Labcorp
Classification: Uncertain significance. Last evaluated: 2025-09-28. Review status: criteria provided, single submitter. Criteria: Invitae Variant Classification Sherloc (09022015). Collection method: clinical testing. Allele origin: germline.
Comment: This sequence change replaces leucine, which is neutral and non-polar, with glutamine, which is neutral and polar, at codon 70 of the SAMD9 protein (p.Leu70Gln). This variant is present in population databases (rs550190460, gnomAD 0.01%). This variant has not been reported in the literature in individuals affected with SAMD9-related conditions. ClinVar contains an entry for this variant (Variation ID: 1337618). Invitae Evidence Modeling of protein sequence and biophysical properties (such as structural, functional, and spatial information, amino acid conservation, physicochemical variation, residue mobility, and thermodynamic stability) indicates that this missense variant is not expected to disrupt SAMD9 protein function with a negative predictive value of 95%. In summary, the available evidence is currently insufficient to determine the role of this variant in disease. Therefore, it has been classified as a Variant of Uncertain Significance.

Ambry Genetics
Classification: Uncertain significance for Inborn genetic diseases. Last evaluated: 2024-11-24. Review status: criteria provided, single submitter. Criteria: Ambry Variant Classification Scheme 2023. Collection method: clinical testing. Allele origin: germline.
Comment: The p.L70Q variant (also known as c.209T>A), located in coding exon 1 of the SAMD9 gene, results from a T to A substitution at nucleotide position 209. The leucine at codon 70 is replaced by glutamine, an amino acid with dissimilar properties. This amino acid position is conserved. In addition, this alteration is predicted to be tolerated by in silico analysis. Based on the available evidence, the clinical significance of this variant remains unclear.

GeneDx
Classification: Uncertain significance. Last evaluated: 2024-01-29. Review status: criteria provided, single submitter. Criteria: GeneDx Variant Classification Process June 2021. Collection method: clinical testing. Allele origin: germline. Affected: yes.
Comment: In silico analysis supports that this missense variant does not alter protein structure/function; Has not been previously published as pathogenic or benign to our knowledge

Genetic Services Laboratory, University of Chicago
Classification: Uncertain significance. Last evaluated: 2020-04-28. Review status: criteria provided, single submitter. Criteria: ACMG Guidelines, 2015. Collection method: clinical testing. Allele origin: germline. Affected: no.
Comment: DNA sequence analysis of the SAMD9 gene demonstrated a sequence change, c.209T>A, in exon 3 that results in an amino acid change, p.Leu70Gln. This sequence change does not appear to have been previously described in patients with SAMD9-related disorders and has been described in the gnomAD database with a low population frequency of 0.0052% (dbSNP rs550190460). The p.Leu70Gln change affects a moderately conserved amino acid residue located in a domain of the SAMD9 protein that is known to be functional. In-silico pathogenicity prediction tools (SIFT, PolyPhen2, Align GVGD, REVEL) provide contradictory results for the p.Leu70Gln substitution. Due to these contrasting evidences and the lack of functional studies, the clinical significance of the p.Leu70Gln change remains unknown at this time.

PreventionGenetics, part of Exact Sciences
Classification: Uncertain significance for SAMD9-related condition. Last evaluated: 2024-09-16. Review status: no assertion criteria provided. Collection method: clinical testing. Allele origin: germline. Not counted in ClinVar's aggregate classification.
Comment: The SAMD9 c.209T>A variant is predicted to result in the amino acid substitution p.Leu70Gln. To our knowledge, this variant has not been reported in the literature. This variant is reported in 0.012% of alleles in individuals of Latino descent in gnomAD. This variant has conflicting interpretations in ClinVar from uncertain significance to likely benign. At this time, the clinical significance of this variant is uncertain due to the absence of conclusive functional and genetic evidence.